The following is an entry in ClinVar:

NM_001374385.1(ATP8B1):c.1719C>T (p.Thr573=)

Gene: ATP8B1 (ATPase phospholipid transporting 8B1; minus strand). Cytogenetic location: 18q21.31.
Variant type: single nucleotide variant.
Coding change: c.1719C>T on transcript NM_001374385.1 (MANE Select); coding-DNA position 1719, C replaced by T.
Protein change: p.Thr573=; no amino-acid change (threonine 573 retained).
Molecular consequence: synonymous variant.
Genome position (GRCh38, 1-based): chr18:57,674,934, G>A on the plus strand (C>T on the coding strand, the complement: ATP8B1 is on the minus strand). VCF-style: chr18-57674934-G-A. GRCh37 (hg19) VCF-style: chr18-55342166-G-A.
Other names: c.1569C>T, p.Thr523= (NM_001374386.1); c.1719C>T, p.Thr573= (NM_005603.6).
Identifiers: ClinVar variation 3049089 (VCV003049089.2), dbSNP rs1403302859, ClinGen allele CA504021245.

ClinVar aggregate classification (germline): Likely benign (0 of 4 stars; one submission).

Conditions:
ATP8B1-related disorder. Also called: ATP8B1-related disorders; ATP8B1-related condition.

Allele frequency attached by ClinVar (database versions not stated): TOPMed below 0.00001.
gnomAD v4.1: 4 of 1,614,126 alleles (0.00025%); highest among the groups gnomAD compares: African/African-American, 0.0027%; no homozygotes.

Submission:

PreventionGenetics, part of Exact Sciences
Classification: Likely benign for ATP8B1-related condition. Last evaluated: 2023-01-31. Review status: no assertion criteria provided. Collection method: clinical testing. Allele origin: germline.
Comment: This variant is classified as likely benign based on ACMG/AMP sequence variant interpretation guidelines (Richards et al. 2015 PMID: 25741868, with internal and published modifications).